The following is an entry in ClinVar:

NM_003172.4(SURF1):c.516-8T>C

Gene: SURF1 (SURF1 cytochrome c oxidase assembly factor; minus strand). Cytogenetic location: 9q34.2.
Variant type: single nucleotide variant.
Coding change: c.516-8T>C on transcript NM_003172.4 (MANE Select); 8 bases into the intron before coding-DNA position 516, T replaced by C.
Molecular consequence: intron variant.
Genome position (GRCh38, 1-based): chr9:133,352,774, A>G on the plus strand (T>C on the coding strand, the complement: SURF1 is on the minus strand). VCF-style: chr9-133352774-A-G. GRCh37 (hg19) VCF-style: chr9-136219629-A-G.
Other names: c.189-8T>C (NM_001280787.1).
Identifiers: ClinVar variation 390079 (VCV000390079.5), dbSNP rs374829956, ClinGen allele CA16605408.
Genomic context (GRCh38, chr9:133,352,774, plus strand): 5'-CAGGATTCACTTTCTTCCTGGGAACGAACCCTCTATTTACCAGGATGGTGACTCTAGGGT[A>G]ATGAAAGTGCTACTTCAGGTGGGGAGGGTTTTTGACTAAAGACAGTCACTCATGGTCACT-3'

ClinVar aggregate classification (germline): Likely benign. Review status: criteria provided, multiple submitters, no conflicts (2 of 4 stars). 2 submissions from 2 submitters: Likely benign (2). Last evaluated 2025-11-08.

Conditions:
Leigh syndrome (NULS). Also called: LEIGH SYNDROME, NUCLEAR; Leigh's necrotizing encephalopathy; Leigh's disease; Leigh Disease; Leigh Syndrome (mtDNA deletion); Leigh's syndrome. Identifiers: Orphanet 506, MedGen C2931891, MONDO:0009723, OMIM 256000.

Allele frequency attached by ClinVar (database versions not stated): gnomAD exomes 0.00001; ExAC 0.00002; gnomAD 0.00002 and 0.00003; ESP Exome Variant Server 0.00008; TOPMed 0.00008.
gnomAD v4.1: 10 of 1,608,510 alleles (0.00062%); highest among the groups gnomAD compares: African/African-American, 0.011%; no homozygotes.

Submissions (2):

Labcorp Genetics (formerly Invitae), Labcorp
Classification: Likely benign for Leigh syndrome. Last evaluated: 2025-11-08. Review status: criteria provided, single submitter. Criteria: Invitae Variant Classification Sherloc (09022015). Collection method: clinical testing. Allele origin: germline.

GeneDx
Classification: Likely benign. Last evaluated: 2016-11-03. Review status: criteria provided, single submitter. Criteria: GeneDx Variant Classification (06012015). Collection method: clinical testing. Allele origin: germline. Affected: yes.
Comment: This variant is considered likely benign or benign based on one or more of the following criteria: it is a conservative change, it occurs at a poorly conserved position in the protein, it is predicted to be benign by multiple in silico algorithms, and/or has population frequency not consistent with disease.